The following is an entry in ClinVar:

NM_001267550.2(TTN):c.88015C>G (p.Pro29339Ala)

Genes: TTN (titin; minus strand), TTN-AS1 (TTN antisense RNA 1; plus strand). Cytogenetic location: 2q31.2.
Variant type: single nucleotide variant.
Coding change: c.88015C>G on transcript NM_001267550.2 (MANE Select); coding-DNA position 88015, C replaced by G.
Protein change: p.Pro29339Ala; replaces proline 29339 with alanine.
Molecular consequence: missense variant.
Genome position (GRCh38, 1-based): chr2:178,557,139, G>C on the plus strand (C>G on the coding strand, the complement: TTN is on the minus strand). VCF-style: chr2-178557139-G-C. GRCh37 (hg19) VCF-style: chr2-179421866-G-C.
Other names: c.83092C>G, p.Pro27698Ala (NM_001256850.1); c.60820C>G, p.Pro20274Ala (NM_003319.4); c.80311C>G, p.Pro26771Ala (NM_133378.4); c.61195C>G, p.Pro20399Ala (NM_133432.3); c.61396C>G, p.Pro20466Ala (NM_133437.4); short protein forms P29339A, P20399A, P20466A, P20274A, P26771A, P27698A.
Identifiers: ClinVar variation 1751456 (VCV001751456.2), dbSNP rs1701796563, ClinGen allele CA349532295.

ClinVar aggregate classification (germline): Uncertain significance (1 of 4 stars; one submission).

Conditions:
Cardiovascular phenotype. Identifiers: MedGen CN230736.

Allele frequency attached by ClinVar (database versions not stated): gnomAD exomes below 0.00001.
gnomAD v4.1: 2 of 1,613,384 alleles (0.00012%); highest among the groups gnomAD compares: Non-Finnish European, 0.00017%; no homozygotes.

Submission:

Ambry Genetics
Classification: Uncertain significance for Cardiovascular phenotype. Last evaluated: 2020-08-31. Review status: criteria provided, single submitter. Criteria: Ambry Variant Classification Scheme 2023. Collection method: clinical testing. Allele origin: germline.
Comment: The p.P20274A variant (also known as c.60820C>G), located in coding exon 157 of the TTN gene, results from a C to G substitution at nucleotide position 60820. The proline at codon 20274 is replaced by alanine, an amino acid with highly similar properties. This amino acid position is highly conserved in available vertebrate species. In addition, the in silico prediction for this alteration is inconclusive. Since supporting evidence is limited at this time, the clinical significance of this alteration remains unclear.